The following is an entry in ClinVar:

ClinVar aggregate classification (germline): Benign/Likely benign. Review status: criteria provided, multiple submitters, no conflicts (2 of 4 stars). 3 submissions from 3 submitters: Benign (1); Likely benign (1). 1 of the submissions does not count toward it. Last evaluated 2026-09-01.

Conditions:
Rubinstein-Taybi syndrome (RSTS). Identifiers: Orphanet 783, MedGen C0035934, MONDO:0019188.
CREBBP-related disorder. Also called: CREBBP-related disorders; CREBBP-related condition.

Allele frequency attached by ClinVar (database versions not stated): gnomAD exomes 0.00002; TOPMed 0.00002; ExAC 0.00003.
gnomAD v4.1: 27 of 1,614,116 alleles (0.0017%); highest among the groups gnomAD compares: Admixed American, 0.012%; no homozygotes.

Submissions (3):

CeGaT Center for Human Genetics Tuebingen
Classification: Likely benign. Last evaluated: 2026-09-01. Review status: criteria provided, single submitter. Criteria: CeGaT Center For Human Genetics Tuebingen Variant Classification Criteria Version 2. Collection method: clinical testing. Allele origin: germline. Affected: yes. Observed: 1 variant allele.
Comment: CREBBP: BP4

Labcorp Genetics (formerly Invitae), Labcorp
Classification: Benign for Rubinstein-Taybi syndrome. Last evaluated: 2025-11-19. Review status: criteria provided, single submitter. Criteria: Invitae Variant Classification Sherloc (09022015). Collection method: clinical testing. Allele origin: germline.

PreventionGenetics, part of Exact Sciences
Classification: Likely benign for CREBBP-related condition. Last evaluated: 2021-06-28. Review status: no assertion criteria provided. Collection method: clinical testing. Allele origin: germline. Not counted in ClinVar's aggregate classification.
Comment: This variant is classified as likely benign based on ACMG/AMP sequence variant interpretation guidelines (Richards et al. 2015 PMID: 25741868, with internal and published modifications).

NM_004380.3(CREBBP):c.7326G>A (p.Leu2442=)

Gene: CREBBP (CREB binding lysine acetyltransferase; minus strand). Cytogenetic location: 16p13.3.
Variant type: single nucleotide variant.
Coding change: c.7326G>A on transcript NM_004380.3 (MANE Select); coding-DNA position 7326, G replaced by A.
Protein change: p.Leu2442=; no amino-acid change (leucine 2442 retained).
Molecular consequence: synonymous variant.
Genome position (GRCh38, 1-based): chr16:3,727,721, C>T on the plus strand (G>A on the coding strand, the complement: CREBBP is on the minus strand). VCF-style: chr16-3727721-C-T. GRCh37 (hg19) VCF-style: chr16-3777722-C-T.
Other names: c.7212G>A, p.Leu2404= (NM_001079846.1); c.7326G>A (NM_004380.2).
Identifiers: ClinVar variation 2144842 (VCV002144842.6), dbSNP rs748024973, ClinGen allele CA7868910.